The following is an entry in ClinVar:

ClinVar aggregate classification (germline): Likely benign. Review status: criteria provided, multiple submitters, no conflicts (2 of 4 stars). 3 submissions from 3 submitters: Likely benign (3). Last evaluated 2023-08-15.

Conditions:
Familial thoracic aortic aneurysm and aortic dissection (TAAD). Also called: Thoracic aortic aneurysms and dissections. Identifiers: Orphanet 91387, MedGen C4707243, MONDO:0019625.
Marfan syndrome (MFS). Also called: Marfan syndrome, classic; Marfan syndrome type 1; Marfan's syndrome; FBN1-Related Marfan Syndrome; MARFAN SYNDROME, TYPE I. Identifiers: Orphanet 284963, Orphanet 558, MedGen C0024796, MONDO:0007947, OMIM 154700.

Allele frequency attached by ClinVar (database versions not stated): gnomAD exomes below 0.00001.
gnomAD v4.1: 3 of 1,614,118 alleles (0.00019%); highest among the groups gnomAD compares: Non-Finnish European, 0.00025%; no homozygotes.

Submissions (3):

All of Us Research Program, National Institutes of Health
Classification: Likely benign for Marfan syndrome. Last evaluated: 2023-08-15. Review status: criteria provided, single submitter. Criteria: ACMG Guidelines, 2015. Collection method: clinical testing. Allele origin: germline. Inheritance: Autosomal dominant inheritance. Observed: 1 variant allele, 1 heterozygote.
Comment: This study involves interpretation of variants in research participants for the purpose of population health screening. Participant phenotype was not available at the time of variant classification. Additional details can be found in publication PMID: 35346344, PMCID: PMC8962531

Labcorp Genetics (formerly Invitae), Labcorp
Classification: Likely benign for Marfan syndrome; Familial thoracic aortic aneurysm and aortic dissection. Last evaluated: 2020-02-06. Review status: criteria provided, single submitter. Criteria: Invitae Variant Classification Sherloc (09022015). Collection method: clinical testing. Allele origin: germline.

Color Diagnostics, LLC DBA Color Health
Classification: Likely benign for Familial thoracic aortic aneurysm and aortic dissection. Last evaluated: 2020-01-10. Review status: criteria provided, single submitter. Criteria: ACMG Guidelines, 2015. Collection method: clinical testing. Allele origin: germline.

NM_000138.5(FBN1):c.4503C>T (p.Asn1501=)

Gene: FBN1 (fibrillin 1; minus strand). Cytogenetic location: 15q21.1.
Variant type: single nucleotide variant.
Coding change: c.4503C>T on transcript NM_000138.5 (MANE Select); coding-DNA position 4503, C replaced by T.
Protein change: p.Asn1501=; no amino-acid change (asparagine 1501 retained).
Molecular consequence: synonymous variant.
Genome position (GRCh38, 1-based): chr15:48,468,491, G>A on the plus strand (C>T on the coding strand, the complement: FBN1 is on the minus strand). VCF-style: chr15-48468491-G-A. GRCh37 (hg19) VCF-style: chr15-48760688-G-A.
Identifiers: ClinVar variation 918744 (VCV000918744.12), dbSNP rs2043341420, ClinGen allele CA490027502.
Genomic context (GRCh38, chr15:48,468,491, plus strand): 5'-TGGGTTCAGTTCAAAATCAGGTGGGCAGTCACAGATATAGCTGCCTGGAGTGTTGACACA[G>A]TTCCCACTGATGCACGTGGTTGGATCCAGGCATTCATTCACATCTAAAACCGAACAGTGA-3'
Protein context (NP_000129.3, residues 1491-1511): CLDPTTCISG[Asn1501=]CVNTPGSYIC